The following is an entry in ClinVar:

ClinVar aggregate classification (germline): Uncertain significance (1 of 4 stars; one submission).

Conditions:
Autosomal recessive limb-girdle muscular dystrophy type 2E (LGMDR4). Also called: MUSCULAR DYSTROPHY, LIMB-GIRDLE, AUTOSOMAL RECESSIVE 4. Identifiers: Orphanet 119, MedGen C1858593, MONDO:0011423, OMIM 604286. Disease mechanism: Affects gamma-sarcoglycan and also disrupts the integrity of the entire sarcoglycan complex..

Allele frequency attached by ClinVar (database versions not stated): gnomAD exomes below 0.00001.
gnomAD v4.1: 7 of 1,613,774 alleles (0.00043%); highest among the groups gnomAD compares: Admixed American, 0.0033%; no homozygotes.

Submission:

Labcorp Genetics (formerly Invitae), Labcorp
Classification: Uncertain significance for Autosomal recessive limb-girdle muscular dystrophy type 2E. Last evaluated: 2021-09-17. Review status: criteria provided, single submitter. Criteria: Invitae Variant Classification Sherloc (09022015). Collection method: clinical testing. Allele origin: germline.
Comment: This sequence change replaces tyrosine with cysteine at codon 44 of the SGCB protein (p.Tyr44Cys). The tyrosine residue is highly conserved and there is a large physicochemical difference between tyrosine and cysteine. This variant is not present in population databases (ExAC no frequency). This variant has not been reported in the literature in individuals with SGCB-related conditions. Algorithms developed to predict the effect of missense changes on protein structure and function (SIFT, PolyPhen-2, Align-GVGD) all suggest that this variant is likely to be disruptive, but these predictions have not been confirmed by published functional studies and their clinical significance is uncertain. In summary, the available evidence is currently insufficient to determine the role of this variant in disease. Therefore, it has been classified as a Variant of Uncertain Significance.

NM_000232.5(SGCB):c.131A>G (p.Tyr44Cys)

Gene: SGCB (sarcoglycan beta; minus strand). Cytogenetic location: 4q12.
Variant type: single nucleotide variant.
Coding change: c.131A>G on transcript NM_000232.5 (MANE Select); coding-DNA position 131, A replaced by G.
Protein change: p.Tyr44Cys; replaces tyrosine 44 with cysteine.
Molecular consequence: missense variant.
Genome position (GRCh38, 1-based): chr4:52,033,543, T>C on the plus strand (A>G on the coding strand, the complement: SGCB is on the minus strand). VCF-style: chr4-52033543-T-C. GRCh37 (hg19) VCF-style: chr4-52899709-T-C.
Other names: short protein forms Y44C.
Identifiers: ClinVar variation 2055282 (VCV002055282.1), dbSNP rs868706196, ClinGen allele CA96786728.